The following is an entry in ClinVar:

NM_007294.4(BRCA1):c.1265dup (p.Tyr422Ter)

Gene: BRCA1 (BRCA1 DNA repair associated; minus strand). Cytogenetic location: 17q21.31.
Variant type: Duplication.
Coding change: c.1265dup on transcript NM_007294.4 (MANE Select); coding-DNA position 1265, one base duplicated (A; older notation c.1265dupA).
Protein change: p.Tyr422Ter; replaces tyrosine 422 with a stop codon.
Molecular consequence: nonsense. On other transcripts: frameshift variant (1), intron variant (137).
Genome position (GRCh38, 1-based): chr17:43,094,266, T duplicated on the plus strand (A on the coding strand, the reverse complement: BRCA1 is on the minus strand). VCF-style (leftmost placement, unchanged base first): chr17-43094265-A-AT. GRCh37 (hg19) VCF-style: chr17-41246282-A-AT.
Other names: 1384insA; c.1265dupA (NM_007294.3); c.1001dup, p.Tyr334Ter (NM_001407935.1, NM_001407920.1, NM_001407921.1 and 9 more transcripts); c.998dup, p.Tyr333Ter (NM_001407936.1, NM_001407930.1, NM_001407931.1 and 2 more transcripts); c.1142dup, p.Tyr381Ter (NM_001407937.1, NM_001407938.1, NM_001407939.1 and 19 more transcripts); c.1139dup, p.Tyr380Ter (NM_001407940.1, NM_001407941.1, NM_001407649.1 and 11 more transcripts); c.1124dup, p.Tyr375Ter (NM_001407942.1, NM_001407944.1, NM_001407945.1 and 29 more transcripts); c.1121dup, p.Tyr374Ter (NM_001407943.1, NM_001407964.1, NM_001407740.1 and 20 more transcripts); and 42 more; short protein forms Y375*, Y422*, Y295*, Y334*, Y351*, Y352*, Y354*, Y380*.
Identifiers: ClinVar variation 54182 (VCV000054182.4), dbSNP rs80357809, ClinGen allele CA000834.
Genomic context (GRCh38, chr17:43,094,265, plus strand): 5'-ACATATTAAAGCCTCATGAGGATCACTGGCCAGTAAGTCTATTTTCTCTGAAGAACCAGA[A>AT]TATTCATCTACCTCATTTAGAACGTCCAATACATCAGCTACTTTGGCATTTGATTCAGAC-3'

ClinVar aggregate classification (germline): Pathogenic. Review status: reviewed by expert panel (3 of 4 stars). 2 submissions from 2 submitters: Pathogenic (1). 1 of the submissions does not count toward it. Last evaluated 2016-09-08.

Conditions:
Breast-ovarian cancer, familial, susceptibility to, 1 (BROVCA1). Also called: OVARIAN CANCER, SUSCEPTIBILITY TO; BRCA1 Hereditary Breast and Ovarian Cancer. Identifiers: Orphanet 145, MedGen C2676676, MONDO:0011450, OMIM 604370. Disease mechanism: loss of function.

Submissions (2):

Evidence-based Network for the Interpretation of Germline Mutant Alleles (ENIGMA)
Classification: Pathogenic for Breast-ovarian cancer, familial, susceptibility to, 1. Last evaluated: 2016-09-08. Review status: reviewed by expert panel. Criteria: ENIGMA BRCA1/2 Classification Criteria (2015). Collection method: curation. Allele origin: germline.
Comment: Variant allele predicted to encode a truncated non-functional protein.

Breast Cancer Information Core (BIC) (BRCA1)
Classification: Pathogenic for Breast-ovarian cancer, familial 1. Last evaluated: 2002-05-29. Review status: no assertion criteria provided. Collection method: clinical testing. Allele origin: germline. Affected: yes. Observed: 1 variant allele. Not counted in ClinVar's aggregate classification.